The following is an entry in ClinVar:

NM_014915.3(ANKRD26):c.1414G>C (p.Ala472Pro)

Gene: ANKRD26 (ankyrin repeat domain 26; minus strand). Cytogenetic location: 10p12.1.
Variant type: single nucleotide variant.
Coding change: c.1414G>C on transcript NM_014915.3 (MANE Select); coding-DNA position 1414, G replaced by C.
Protein change: p.Ala472Pro; replaces alanine 472 with proline.
Molecular consequence: missense variant.
Genome position (GRCh38, 1-based): chr10:27,061,192, C>G on the plus strand (G>C on the coding strand, the complement: ANKRD26 is on the minus strand). VCF-style: chr10-27061192-C-G. GRCh37 (hg19) VCF-style: chr10-27350121-C-G.
Other names: c.1414G>C, p.Ala472Pro (NM_001256053.2); short protein forms A472P.
Identifiers: ClinVar variation 4859856 (VCV004859856.1).

ClinVar aggregate classification (germline): Uncertain significance (1 of 4 stars; one submission).

Conditions:
Inborn genetic diseases. Identifiers: MedGen C0950123, MeSH D030342.

Submission:

Ambry Genetics
Classification: Uncertain significance for Inborn genetic diseases. Last evaluated: 2026-05-15. Review status: criteria provided, single submitter. Criteria: Ambry Variant Classification Scheme 2023. Collection method: clinical testing. Allele origin: germline.
Comment: The p.A472P variant (also known as c.1414G>C), located in coding exon 13 of the ANKRD26 gene, results from a G to C substitution at nucleotide position 1414. The alanine at codon 472 is replaced by proline, an amino acid with highly similar properties. This amino acid position is conserved. In addition, this alteration is predicted to be tolerated by in silico analysis. Based on the available evidence, the clinical significance of this variant remains unclear.